The following is an entry in ClinVar:

ClinVar aggregate classification (germline): Pathogenic (1 of 4 stars; one submission).

Conditions:
Fanconi anemia complementation group O. Also called: RAD51C-Related Fanconi Anemia. Identifiers: Orphanet 84, MedGen C3150653, MONDO:0013248, OMIM 613390.

Submission:

Labcorp Genetics (formerly Invitae), Labcorp
Classification: Pathogenic for Fanconi anemia complementation group O. Last evaluated: 2015-08-13. Review status: criteria provided, single submitter. Criteria: Invitae Variant Classification Sherloc (09022015). Collection method: clinical testing. Allele origin: germline.
Comment: For these reasons, this variant has been classified as Pathogenic. While this particular variant has not been reported in the literature, truncating variants in RAD51C are known to be pathogenic (PMID: 20400964, 21990120, 24800917). This sequence change is a gross deletion of the genomic region encompassing exons 4 to 9 of the RAD51C gene causing a frameshift at codon 191, This creates a premature translational stop signal (p.Glu191Alafs*1). This deletion extends into the introns and the breakpoints have not been determined by this assay.

Literature cited by the submitters: PubMed 20400964; PubMed 21990120; PubMed 24800917.

NC_000017.11:g.(?_58703186)_(58734232_?)del

Genes: RAD51C (RAD51 paralog C; plus strand), LOC129390903 (MPRA-validated peak2919 silencer; plus strand), LOC130061311 (ATAC-STARR-seq lymphoblastoid active region 12492; plus strand). Cytogenetic location: 17q22.
Variant type: Deletion.
Identifiers: ClinVar variation 658445 (VCV000658445.4).